The following is an entry in ClinVar:

ClinVar aggregate classification (germline): Pathogenic (1 of 4 stars; one submission).

Conditions:
Primary ciliary dyskinesia. Also called: Ciliary dyskinesia. Identifiers: Orphanet 244, MedGen C0008780, MONDO:0016575, HP:0012265.

Submission:

Labcorp Genetics (formerly Invitae), Labcorp
Classification: Pathogenic for Primary ciliary dyskinesia. Last evaluated: 2023-05-19. Review status: criteria provided, single submitter. Criteria: Invitae Variant Classification Sherloc (09022015). Collection method: clinical testing. Allele origin: germline.
Comment: For these reasons, this variant has been classified as Pathogenic. This variant disrupts a region of the RPGR (ORF15) protein in which other variant(s) (p.Glu698Argfs*72) have been determined to be pathogenic (PMID: 22264887; Invitae). This suggests that this is a clinically significant region of the protein, and that variants that disrupt it are likely to be disease-causing. This variant has not been reported in the literature in individuals affected with RPGR (ORF15)-related conditions. This variant is not present in population databases (gnomAD no frequency). This sequence change creates a premature translational stop signal (p.Glu652*) in the RPGR (ORF15) gene. While this is not anticipated to result in nonsense mediated decay, it is expected to disrupt the last 501 amino acid(s) of the RPGR (ORF15) protein.

Literature cited by the submitters: PubMed 22264887.

NM_001034853.2(RPGR):c.1952dup (p.Pro651_Glu652insTer)

Gene: RPGR (retinitis pigmentosa GTPase regulator; minus strand). Cytogenetic location: Xp11.4.
Variant type: Duplication.
Coding change: c.1952dup on transcript NM_001034853.2 (MANE Select); coding-DNA position 1952, one base duplicated (C; older notation c.1952dupC).
Protein change: p.Pro651_Glu652insTer.
Molecular consequence: frameshift variant. On other transcripts: intron variant (8).
Genome position (GRCh38, 1-based): chrX:38,287,047, G duplicated on the plus strand (C on the coding strand, the reverse complement: RPGR is on the minus strand); the first of 2 consecutive G bases (chrX:38,287,047-38,287,048); duplicating either gives the same sequence. VCF-style (leftmost placement, unchanged base first): chrX-38287046-A-AG. GRCh37 (hg19) VCF-style: chrX-38146299-A-AG.
Other names: c.1569+3912dup (NM_001367249.1, NM_001367250.1); c.1902+47dup (NM_001367245.1); c.1386+3912dup (NM_001367251.1); c.1719+47dup (NM_001367246.1); c.1572+3912dup (NM_001367247.1); c.1905+47dup (NM_000328.3); c.1602+3912dup (NM_001367248.1).
Identifiers: ClinVar variation 2865878 (VCV002865878.3), dbSNP rs2519794611, ClinGen allele CA2739273395.